The following is an entry in ClinVar:

ClinVar aggregate classification (germline): Uncertain significance (1 of 4 stars; one submission).

Submission:

Labcorp Genetics (formerly Invitae), Labcorp
Classification: Uncertain significance. Last evaluated: 2024-03-16. Review status: criteria provided, single submitter. Criteria: Invitae Variant Classification Sherloc (09022015). Collection method: clinical testing. Allele origin: germline.
Comment: This sequence change replaces glutamine, which is neutral and polar, with arginine, which is basic and polar, at codon 867 of the TUBGCP6 protein (p.Gln867Arg). This variant is not present in population databases (gnomAD no frequency). This variant has not been reported in the literature in individuals affected with TUBGCP6-related conditions. Algorithms developed to predict the effect of missense changes on protein structure and function output the following: SIFT: "Not Available"; PolyPhen-2: "Benign"; Align-GVGD: "Not Available". The arginine amino acid residue is found in multiple mammalian species, which suggests that this missense change does not adversely affect protein function. In summary, the available evidence is currently insufficient to determine the role of this variant in disease. Therefore, it has been classified as a Variant of Uncertain Significance.

NM_020461.4(TUBGCP6):c.2600A>G (p.Gln867Arg)

Gene: TUBGCP6 (tubulin gamma complex component 6; minus strand). Cytogenetic location: 22q13.33.
Variant type: single nucleotide variant.
Coding change: c.2600A>G on transcript NM_020461.4 (MANE Select); coding-DNA position 2600, A replaced by G.
Protein change: p.Gln867Arg; replaces glutamine 867 with arginine.
Molecular consequence: missense variant.
Genome position (GRCh38, 1-based): chr22:50,221,759, T>C on the plus strand (A>G on the coding strand, the complement: TUBGCP6 is on the minus strand). VCF-style: chr22-50221759-T-C. GRCh37 (hg19) VCF-style: chr22-50660188-T-C.
Other names: short protein forms Q867R.
Identifiers: ClinVar variation 3646245 (VCV003646245.2).